The following is an entry in ClinVar:

ClinVar aggregate classification (germline): Conflicting classifications of pathogenicity. Review status: criteria provided, conflicting classifications (1 of 4 stars). 6 submissions from 6 submitters: Uncertain significance (3); Likely benign (1). 2 of the submissions do not count toward it. Last evaluated 2024-12-26.

Conditions:
Breast-ovarian cancer, familial, susceptibility to, 1 (BROVCA1). Also called: BRCA1 Hereditary Breast and Ovarian Cancer; OVARIAN CANCER, SUSCEPTIBILITY TO. Identifiers: Orphanet 145, MedGen C2676676, MONDO:0011450, OMIM 604370. Disease mechanism: loss of function.
Hereditary cancer-predisposing syndrome. Also called: Hereditary Cancer Syndrome; Hereditary neoplastic syndrome; Neoplastic Syndromes, Hereditary; Tumor predisposition. Identifiers: Orphanet 140162, MedGen C0027672, MeSH D009386, MONDO:0015356.
Hereditary breast ovarian cancer syndrome. Also called: BRCA1- and BRCA2-Associated Hereditary Breast and Ovarian Cancer; Hereditary breast and ovarian cancer syndrome; Hereditary breast and ovarian cancer syndrome (HBOC); Breast and ovarian cancer; Hereditary breast and/or ovarian cancer syndrome; Hereditary breast and ovarian cancer. Identifiers: Orphanet 145, MedGen C0677776, MeSH D061325, MONDO:0003582. Disease mechanism: loss of function.

Submissions (6):

Labcorp Genetics (formerly Invitae), Labcorp
Classification: Uncertain significance for Hereditary breast ovarian cancer syndrome. Last evaluated: 2024-12-26. Review status: criteria provided, single submitter. Criteria: Invitae Variant Classification Sherloc (09022015). Collection method: clinical testing. Allele origin: germline.
Comment: This sequence change replaces isoleucine, which is neutral and non-polar, with arginine, which is basic and polar, at codon 460 of the BRCA1 protein (p.Ile460Arg). This variant is not present in population databases (gnomAD no frequency). This variant has not been reported in the literature in individuals affected with BRCA1-related conditions. ClinVar contains an entry for this variant (Variation ID: 91551). Invitae Evidence Modeling of protein sequence and biophysical properties (such as structural, functional, and spatial information, amino acid conservation, physicochemical variation, residue mobility, and thermodynamic stability) indicates that this missense variant is expected to disrupt BRCA1 protein function with a positive predictive value of 80%. In summary, the available evidence is currently insufficient to determine the role of this variant in disease. Therefore, it has been classified as a Variant of Uncertain Significance.

Ambry Genetics
Classification: Uncertain significance for Hereditary cancer-predisposing syndrome. Last evaluated: 2024-07-05. Review status: criteria provided, single submitter. Criteria: Ambry Variant Classification Scheme 2023. Collection method: clinical testing. Allele origin: germline.
Comment: The p.I460R variant (also known as c.1379T>G), located in coding exon 9 of the BRCA1 gene, results from a T to G substitution at nucleotide position 1379. The isoleucine at codon 460 is replaced by arginine, an amino acid with similar properties. This amino acid position is highly conserved in available vertebrate species. In addition, this alteration is predicted to be deleterious by in silico analysis. Based on the available evidence, the clinical significance of this variant remains unclear.

University of Washington Department of Laboratory Medicine, University of Washington
Classification: Likely benign for Hereditary cancer-predisposing syndrome. Last evaluated: 2023-03-23. Review status: criteria provided, single submitter. Criteria: Dines et al. (Genet Med. 2020). Collection method: curation. Allele origin: germline.
Comment: Missense variant in a coldspot region where missense variants are very unlikely to be pathogenic (PMID:31911673).

BRCA1 coldspot (exon 11 using historical exon numbering). Reclassification based on statistical prior probability

Women's Health and Genetics/Laboratory Corporation of America, LabCorp
Classification: Uncertain significance. Last evaluated: 2021-09-25. Review status: criteria provided, single submitter. Criteria: LabCorp Variant Classification Summary - May 2015. Collection method: clinical testing. Allele origin: germline.

Counsyl
Classification: Uncertain significance for Breast-ovarian cancer, familial, susceptibility to, 1. Last evaluated: 2017-09-06. Review status: no assertion criteria provided. Collection method: clinical testing. Allele origin: unknown. Not counted in ClinVar's aggregate classification.

Sharing Clinical Reports Project (SCRP)
Classification: Uncertain significance for Breast-ovarian cancer, familial 1. Last evaluated: 2012-01-24. Review status: no assertion criteria provided. Collection method: clinical testing. Allele origin: germline. Not counted in ClinVar's aggregate classification.

NM_007294.4(BRCA1):c.1379T>G (p.Ile460Arg)

Gene: BRCA1 (BRCA1 DNA repair associated; minus strand). Cytogenetic location: 17q21.31.
Variant type: single nucleotide variant.
Coding change: c.1379T>G on transcript NM_007294.4 (MANE Select); coding-DNA position 1379, T replaced by G.
Protein change: p.Ile460Arg; replaces isoleucine 460 with arginine.
Molecular consequence: missense variant. On other transcripts: intron variant (137).
Genome position (GRCh38, 1-based): chr17:43,094,152, A>C on the plus strand (T>G on the coding strand, the complement: BRCA1 is on the minus strand). VCF-style: chr17-43094152-A-C. GRCh37 (hg19) VCF-style: chr17-41246169-A-C.
Other names: 1498T>G; c.1376T>G, p.Ile459Arg (NM_001407613.1, NM_001407614.1, NM_001407615.1 and 22 more transcripts); c.1379T>G, p.Ile460Arg (NM_001407616.1, NM_001407617.1, NM_001407618.1 and 30 more transcripts); c.1301T>G, p.Ile434Arg (NM_001407654.1, NM_001407655.1, NM_001407656.1 and 4 more transcripts); c.1298T>G, p.Ile433Arg (NM_001407659.1, NM_001407660.1, NM_001407661.1 and 1 more transcripts); c.1253T>G, p.Ile418Arg (NM_001407673.1, NM_001407649.1, NM_001407670.1 and 11 more transcripts); c.1256T>G, p.Ile419Arg (NM_001407674.1, NM_001407675.1, NM_001407676.1 and 19 more transcripts); c.1238T>G, p.Ile413Arg (NM_001407692.1, NM_001407694.1, NM_001407695.1 and 29 more transcripts); and 41 more; short protein forms I460R, I413R, I349R, I371R, I419R, I433R, I457R, I459R.
Identifiers: ClinVar variation 91551 (VCV000091551.16), dbSNP rs398122634, ClinGen allele CA000915.